The following is an entry in ClinVar:

ClinVar aggregate classification (germline): Uncertain significance (1 of 4 stars; one submission).

Conditions:
Muscle AMP deaminase deficiency (MMDD). Also called: Myoadenylate deaminase deficiency, myopathy due to; Adenosine monophosphate deaminase 1 deficiency; AMP deaminase 1 deficiency; Adenosine Monophosphate Deaminase 1; AMPD1 DEFICIENCY; ADENOSINE MONOPHOSPHATE DEAMINASE-1 DEFICIENCY, MYOPATHY DUE TO. Identifiers: Orphanet 45, MedGen C3714933, MONDO:0014220, OMIM 615511.

Submission:

Labcorp Genetics (formerly Invitae), Labcorp
Classification: Uncertain significance for Muscle AMP deaminase deficiency. Last evaluated: 2022-05-19. Review status: criteria provided, single submitter. Criteria: Invitae Variant Classification Sherloc (09022015). Collection method: clinical testing. Allele origin: germline.
Comment: This sequence change replaces valine, which is neutral and non-polar, with glycine, which is neutral and non-polar, at codon 636 of the AMPD1 protein (p.Val636Gly). This variant is not present in population databases (gnomAD no frequency). This variant has not been reported in the literature in individuals affected with AMPD1-related conditions. Algorithms developed to predict the effect of missense changes on protein structure and function (SIFT, PolyPhen-2, Align-GVGD) all suggest that this variant is likely to be disruptive. In summary, the available evidence is currently insufficient to determine the role of this variant in disease. Therefore, it has been classified as a Variant of Uncertain Significance.

NM_000036.3(AMPD1):c.1808T>G (p.Val603Gly)

Gene: AMPD1 (adenosine monophosphate deaminase 1; minus strand). Cytogenetic location: 1p13.2.
Variant type: single nucleotide variant.
Coding change: c.1808T>G on transcript NM_000036.3 (MANE Select); coding-DNA position 1808, T replaced by G.
Protein change: p.Val603Gly; replaces valine 603 with glycine.
Molecular consequence: missense variant.
Genome position (GRCh38, 1-based): chr1:114,674,075, A>C on the plus strand (T>G on the coding strand, the complement: AMPD1 is on the minus strand). VCF-style: chr1-114674075-A-C. GRCh37 (hg19) VCF-style: chr1-115216696-A-C.
Other names: c.1796T>G, p.Val599Gly (NM_001172626.2); short protein forms V599G, V603G.
Identifiers: ClinVar variation 1920694 (VCV001920694.5), dbSNP rs2526337073, ClinGen allele CA341745244.